The following is an entry in ClinVar:

ClinVar aggregate classification (germline): Benign (1 of 4 stars; one submission).

Submission:

GeneDx
Classification: Benign. Last evaluated: 2018-06-14. Review status: criteria provided, single submitter. Criteria: GeneDx Variant Classification (06012015). Collection method: clinical testing. Allele origin: germline. Affected: yes.
Comment: This variant is considered likely benign or benign based on one or more of the following criteria: it is a conservative change, it occurs at a poorly conserved position in the protein, it is predicted to be benign by multiple in silico algorithms, and/or has population frequency not consistent with disease.

NM_000218.3(KCNQ1):c.478-289_478-254dup

Gene: KCNQ1 (potassium voltage-gated channel subfamily Q member 1; plus strand). Cytogenetic location: 11p15.5.
Variant type: Duplication.
Coding change: c.478-289_478-254dup on transcript NM_000218.3 (MANE Select); 289 bases into the intron before coding-DNA position 478 through 254 bases into the intron before coding-DNA position 478, 36 bases duplicated.
Molecular consequence: intron variant.
Genome position (GRCh38, 1-based): chr11:2,570,339-2,570,374, 36 bases duplicated; duplicating any 36 consecutive bases within chr11:2,570,330-2,570,374 gives the same sequence; the c. name uses the placement nearest the transcript's 3' end. GRCh37 (hg19): chr11:2,591,569-2,591,604.
Other names: c.478-299_478-298insCCTCTGGCCAAGGCTGGGGTTCCTGGTGTGGGGCCT (NM_000218.2); c.208-289_208-254dup (NM_001406837.1); c.478-289_478-254dup (NM_001406836.1); c.478-13096_478-13061dup (NM_001406838.1); c.97-289_97-254dup (NM_181798.2).
Identifiers: ClinVar variation 680621 (VCV000680621.3), dbSNP rs58466909, ClinGen allele CA216308966.